The following is an entry in ClinVar:

NM_054012.4(ASS1):c.566+18C>G

Gene: ASS1 (argininosuccinate synthase 1; plus strand). Cytogenetic location: 9q34.11.
Variant type: single nucleotide variant.
Coding change: c.566+18C>G on transcript NM_054012.4 (MANE Select); 18 bases into the intron after coding-DNA position 566, C replaced by G.
Molecular consequence: intron variant.
Genome position (GRCh38, 1-based): chr9:130,470,922, C>G. VCF-style: chr9-130470922-C-G. GRCh37 (hg19) VCF-style: chr9-133346309-C-G.
Other names: c.566+18C>G (NM_000050.4).
Identifiers: ClinVar variation 682528 (VCV000682528.6), dbSNP rs200036163, ClinGen allele CA5283346.
Genomic context (GRCh38, chr9:130,470,922, plus strand): 5'-CCAAGAACCCGTGGAGCATGGATGAGAACCTCATGCACATCAGGTAAATCCCACCCTCCA[C>G]CCATCCTTGGTCCTCCCGGGCTCATTCCAAAGGACGGCCACGCGCTGCCCCAGGACGTCC-3'

ClinVar aggregate classification (germline): Likely benign. Review status: criteria provided, multiple submitters, no conflicts (2 of 4 stars). 3 submissions from 3 submitters: Likely benign (2). 1 of the submissions does not count toward it. Last evaluated 2025-12-24.

Conditions:
Citrullinemia. Identifiers: Orphanet 187, MedGen C0175683, MONDO:0015991.
ASS1-related disorder. Also called: ASS1-related condition.

Allele frequency attached by ClinVar (database versions not stated): ESP Exome Variant Server 0.00015; TOPMed 0.00020.
gnomAD v4.1: 14 of 1,613,274 alleles (0.00087%); highest among the groups gnomAD compares: African/African-American, 0.019%; no homozygotes.

Submissions (3):

Labcorp Genetics (formerly Invitae), Labcorp
Classification: Likely benign for Citrullinemia. Last evaluated: 2025-12-24. Review status: criteria provided, single submitter. Criteria: Invitae Variant Classification Sherloc (09022015). Collection method: clinical testing. Allele origin: germline.

GeneDx
Classification: Likely benign. Last evaluated: 2018-05-08. Review status: criteria provided, single submitter. Criteria: GeneDx Variant Classification (06012015). Collection method: clinical testing. Allele origin: germline. Affected: yes.
Comment: This variant is considered likely benign or benign based on one or more of the following criteria: it is a conservative change, it occurs at a poorly conserved position in the protein, it is predicted to be benign by multiple in silico algorithms, and/or has population frequency not consistent with disease.

PreventionGenetics, part of Exact Sciences
Classification: Likely benign for ASS1-related condition. Last evaluated: 2023-01-03. Review status: no assertion criteria provided. Collection method: clinical testing. Allele origin: germline. Not counted in ClinVar's aggregate classification.
Comment: This variant is classified as likely benign based on ACMG/AMP sequence variant interpretation guidelines (Richards et al. 2015 PMID: 25741868, with internal and published modifications).